The following is an entry in ClinVar:

NM_004958.4(MTOR):c.1878C>T (p.Cys626=)

Gene: MTOR (mechanistic target of rapamycin kinase; minus strand). Cytogenetic location: 1p36.22.
Variant type: single nucleotide variant.
Coding change: c.1878C>T on transcript NM_004958.4 (MANE Select); coding-DNA position 1878, C replaced by T.
Protein change: p.Cys626=; no amino-acid change (cysteine 626 retained).
Molecular consequence: synonymous variant.
Genome position (GRCh38, 1-based): chr1:11,238,526, G>A on the plus strand (C>T on the coding strand, the complement: MTOR is on the minus strand). VCF-style: chr1-11238526-G-A. GRCh37 (hg19) VCF-style: chr1-11298583-G-A.
Other names: p.Cys626=; c.1878C>T (LRG_734t1).
Identifiers: ClinVar variation 414903 (VCV000414903.16), dbSNP rs79942701, ClinGen allele CA590619.

ClinVar aggregate classification (germline): Benign. Review status: criteria provided, multiple submitters, no conflicts (2 of 4 stars). 4 submissions from 4 submitters: Benign (4). Last evaluated 2026-02-03.

Allele frequency attached by ClinVar (database versions not stated): gnomAD exomes 0.00275 and 0.00103; ExAC 0.00356; gnomAD 0.01063 and 0.01137; TOPMed 0.01192; 1000 Genomes Project 0.01298; ESP Exome Variant Server 0.01361; 1000 Genomes Project 30x 0.01421.
gnomAD v4.1: 3,183 of 1,614,206 alleles (0.2%); highest among the groups gnomAD compares: African/African-American, 3.8%; 64 homozygotes.

Submissions (4):

Labcorp Genetics (formerly Invitae), Labcorp
Classification: Benign. Last evaluated: 2026-02-03. Review status: criteria provided, single submitter. Criteria: Invitae Variant Classification Sherloc (09022015). Collection method: clinical testing. Allele origin: germline.

Mayo Clinic Laboratories, Mayo Clinic
Classification: Benign. Last evaluated: 2023-05-05. Review status: criteria provided, single submitter. Criteria: ACMG Guidelines, 2015. Collection method: clinical testing. Allele origin: germline. Observed: 2 variant alleles.
Comment: BS1, BS2, BP4, BP7

GeneDx
Classification: Benign. Last evaluated: 2020-12-14. Review status: criteria provided, single submitter. Criteria: GeneDx Variant Classification Process June 2021. Collection method: clinical testing. Allele origin: germline. Affected: yes.

Breakthrough Genomics
Classification: Benign. Review status: criteria provided, single submitter. Criteria: ACMG Guidelines, 2015. Collection method: not provided. Allele origin: germline. Inheritance: Autosomal dominant inheritance. Affected: yes.